The following is an entry in ClinVar:

NM_000067.3(CA2):c.676C>T (p.Arg226Cys)

Gene: CA2 (carbonic anhydrase 2; plus strand). Cytogenetic location: 8q21.2.
Variant type: single nucleotide variant.
Coding change: c.676C>T on transcript NM_000067.3 (MANE Select); coding-DNA position 676, C replaced by T.
Protein change: p.Arg226Cys; replaces arginine 226 with cysteine.
Molecular consequence: missense variant.
Genome position (GRCh38, 1-based): chr8:85,480,682, C>T. VCF-style: chr8-85480682-C-T. GRCh37 (hg19) VCF-style: chr8-86392911-C-T.
Other names: c.373C>T, p.Arg125Cys (NM_001293675.2); short protein forms R125C, R226C.
Identifiers: ClinVar variation 3618428 (VCV003618428.2).

ClinVar aggregate classification (germline): Uncertain significance (1 of 4 stars; one submission).

Submission:

Labcorp Genetics (formerly Invitae), Labcorp
Classification: Uncertain significance. Last evaluated: 2024-03-21. Review status: criteria provided, single submitter. Criteria: Invitae Variant Classification Sherloc (09022015). Collection method: clinical testing. Allele origin: germline.
Comment: This sequence change replaces arginine, which is basic and polar, with cysteine, which is neutral and slightly polar, at codon 226 of the CA2 protein (p.Arg226Cys). The frequency data for this variant in the population databases is considered unreliable, as metrics indicate poor data quality at this position in the gnomAD database. This variant has not been reported in the literature in individuals affected with CA2-related conditions. Algorithms developed to predict the effect of missense changes on protein structure and function output the following: SIFT: "Not Available"; PolyPhen-2: "Possibly Damaging"; Align-GVGD: "Not Available". The cysteine amino acid residue is found in multiple mammalian species, which suggests that this missense change does not adversely affect protein function. In summary, the available evidence is currently insufficient to determine the role of this variant in disease. Therefore, it has been classified as a Variant of Uncertain Significance.